The following is an entry in ClinVar:

NM_001286445.3(RIPOR2):c.2300C>T (p.Ala767Val)

Gene: RIPOR2 (RHO family interacting cell polarization regulator 2; minus strand). Cytogenetic location: 6p22.3.
Variant type: single nucleotide variant.
Coding change: c.2300C>T on transcript NM_001286445.3 (MANE Select); coding-DNA position 2300, C replaced by T.
Protein change: p.Ala767Val; replaces alanine 767 with valine.
Molecular consequence: missense variant.
Genome position (GRCh38, 1-based): chr6:24,832,300, G>A on the plus strand (C>T on the coding strand, the complement: RIPOR2 is on the minus strand). VCF-style: chr6-24832300-G-A. GRCh37 (hg19) VCF-style: chr6-24832528-G-A.
Other names: c.2213C>T, p.Ala738Val (NM_001346031.2, NM_001346032.2); c.2363C>T, p.Ala788Val (NM_014722.5); short protein forms A738V, A767V, A788V.
Identifiers: ClinVar variation 1917993 (VCV001917993.5), dbSNP rs1045657521, ClinGen allele CA136170742.
Genomic context (GRCh38, chr6:24,832,300, plus strand): 5'-ACTGGCAGATACTTACCTTCCACAACAGAACTGATATTTCCTATGTTCTCATCACTGACA[G>A]CTGCGAGTTTCTCCATCACTTGGATCTGCCTAGAAAGCTTCTCTAAGAGACTTCTTGCCA-3'
Protein context (NP_001273374.1, residues 757-777): RQIQVMEKLA[Ala767Val]VSDENIGNIS

ClinVar aggregate classification (germline): Uncertain significance (1 of 4 stars; one submission).

Allele frequency attached by ClinVar (database versions not stated): gnomAD 0.00001; TOPMed 0.00001.
gnomAD v4.1: 55 of 1,551,624 alleles (0.0035%); highest among the groups gnomAD compares: Non-Finnish European, 0.0046%; no homozygotes.

Submission:

Labcorp Genetics (formerly Invitae), Labcorp
Classification: Uncertain significance. Last evaluated: 2022-07-22. Review status: criteria provided, single submitter. Criteria: Invitae Variant Classification Sherloc (09022015). Collection method: clinical testing. Allele origin: germline.
Comment: This variant has not been reported in the literature in individuals affected with FAM65B-related conditions. This variant is present in population databases (no rsID available, gnomAD 0.005%). This sequence change replaces alanine, which is neutral and non-polar, with valine, which is neutral and non-polar, at codon 788 of the FAM65B protein (p.Ala788Val). In summary, the available evidence is currently insufficient to determine the role of this variant in disease. Therefore, it has been classified as a Variant of Uncertain Significance. Algorithms developed to predict the effect of missense changes on protein structure and function are either unavailable or do not agree on the potential impact of this missense change (SIFT: "Tolerated"; PolyPhen-2: "Possibly Damaging"; Align-GVGD: "Class C0").